The following is an entry in ClinVar:

NM_001271938.2(MEGF8):c.1103T>G (p.Leu368Arg)

Gene: MEGF8 (multiple EGF like domains 8; plus strand). Cytogenetic location: 19q13.2.
Variant type: single nucleotide variant.
Coding change: c.1103T>G on transcript NM_001271938.2 (MANE Select); coding-DNA position 1103, T replaced by G.
Protein change: p.Leu368Arg; replaces leucine 368 with arginine.
Molecular consequence: missense variant.
Genome position (GRCh38, 1-based): chr19:42,336,205, T>G. VCF-style: chr19-42336205-T-G. GRCh37 (hg19) VCF-style: chr19-42840357-T-G.
Other names: c.1103T>G, p.Leu368Arg (NM_001410.3); short protein forms L368R.
Identifiers: ClinVar variation 4734595 (VCV004734595.1).

ClinVar aggregate classification (germline): Uncertain significance (1 of 4 stars; one submission).

Conditions:
MEGF8-related Carpenter syndrome. Also called: Carpenter syndrome 2. Identifiers: Orphanet 65759, MedGen C3554247, MONDO:0013998, OMIM 614976.

gnomAD v4.1: 2 of 1,610,424 alleles (0.00012%); highest among the groups gnomAD compares: Non-Finnish European, 0.00017%; no homozygotes.

Submission:

Labcorp Genetics (formerly Invitae), Labcorp
Classification: Uncertain significance for MEGF8-related Carpenter syndrome. Last evaluated: 2026-01-02. Review status: criteria provided, single submitter. Criteria: Invitae Variant Classification Sherloc (09022015). Collection method: clinical testing. Allele origin: germline.
Comment: This sequence change replaces leucine, which is neutral and non-polar, with arginine, which is basic and polar, at codon 368 of the MEGF8 protein (p.Leu368Arg). This variant is not present in population databases (gnomAD no frequency). This variant has not been reported in the literature in individuals affected with MEGF8-related conditions. An algorithm developed to predict the effect of missense changes on protein structure and function (PolyPhen-2) suggests that this variant is likely to be tolerated. In summary, the available evidence is currently insufficient to determine the role of this variant in disease. Therefore, it has been classified as a Variant of Uncertain Significance.